The following is an entry in ClinVar:

ClinVar aggregate classification (germline): Uncertain significance (1 of 4 stars; one submission).

gnomAD v4.1: 9 of 1,609,662 alleles (0.00056%); highest among the groups gnomAD compares: Admixed American, 0.01%; 1 homozygote.

Submission:

Labcorp Genetics (formerly Invitae), Labcorp
Classification: Uncertain significance. Last evaluated: 2021-08-06. Review status: criteria provided, single submitter. Criteria: Invitae Variant Classification Sherloc (09022015). Collection method: clinical testing. Allele origin: germline.
Comment: This sequence change replaces alanine with proline at codon 9 of the COQ7 protein (p.Ala9Pro). The alanine residue is weakly conserved and there is a small physicochemical difference between alanine and proline. This variant is not present in population databases (ExAC no frequency). This variant has not been reported in the literature in individuals affected with COQ7-related conditions. Algorithms developed to predict the effect of missense changes on protein structure and function output the following: SIFT: "Tolerated"; PolyPhen-2: "Benign"; Align-GVGD: "Class C0". The proline amino acid residue is found in multiple mammalian species, which suggests that this missense change does not adversely affect protein function. In summary, the available evidence is currently insufficient to determine the role of this variant in disease. Therefore, it has been classified as a Variant of Uncertain Significance.

NM_016138.5(COQ7):c.25G>C (p.Ala9Pro)

Genes: COQ7 (coenzyme Q7, hydroxylase; plus strand), COQ7-DT (COQ7 divergent transcript; minus strand), LOC130058587 (ATAC-STARR-seq lymphoblastoid silent region 7240; plus strand). Cytogenetic location: 16p12.3.
Variant type: single nucleotide variant.
Coding change: c.25G>C on transcript NM_016138.5 (MANE Select); coding-DNA position 25, G replaced by C.
Protein change: p.Ala9Pro; replaces alanine 9 with proline.
Molecular consequence: missense variant. On other transcripts: non-coding transcript variant (5).
Genome position (GRCh38, 1-based): chr16:19,067,689, G>C. VCF-style: chr16-19067689-G-C. GRCh37 (hg19) VCF-style: chr16-19079011-G-C.
Other names: c.25G>C, p.Ala9Pro (NM_001370490.1); short protein forms A9P.
Identifiers: ClinVar variation 1481493 (VCV001481493.3), dbSNP rs764137867, ClinGen allele CA394916988.
Genomic context (GRCh38, chr16:19,067,689, plus strand): 5'-CGTTCAACGAAGTGGTTGCTTTTTTTAGTTCCGGCAATGAGTTGCGCCGGGGCGGCGGCG[G>C]CTCCCCGCCTTTGGCGGCTGCGCCCGGGGGCCCGGCGGTCCCTCTCAGGTAAAAGGAGGC-3'
Protein context (NP_057222.2, residues 1-19): MSCAGAAA[Ala9Pro]PRLWRLRPGA